The following is an entry in ClinVar:

ClinVar aggregate classification (germline): Uncertain significance. Review status: criteria provided, multiple submitters, no conflicts (2 of 4 stars). 3 submissions from 3 submitters: Uncertain significance (3). Last evaluated 2025-10-29.

Conditions:
Hereditary cancer-predisposing syndrome. Also called: Hereditary neoplastic syndrome; Tumor predisposition; Neoplastic Syndromes, Hereditary; Hereditary Cancer Syndrome. Identifiers: Orphanet 140162, MedGen C0027672, MeSH D009386, MONDO:0015356.
Juvenile polyposis syndrome (JPS). Identifiers: Orphanet 2929, MedGen C0345893, MONDO:0017380, OMIM 174900.

Allele frequency attached by ClinVar (database versions not stated): gnomAD exomes below 0.00001; TOPMed below 0.00001; ExAC 0.00001; gnomAD 0.00001 and 0.00002; ESP Exome Variant Server 0.00008.
gnomAD v4.1: 3 of 1,611,314 alleles (0.00019%); highest among the groups gnomAD compares: African/African-American, 0.004%; no homozygotes.

Submissions (3):

Labcorp Genetics (formerly Invitae), Labcorp
Classification: Uncertain significance for Juvenile polyposis syndrome. Last evaluated: 2025-10-29. Review status: criteria provided, single submitter. Criteria: Invitae Variant Classification Sherloc (09022015). Collection method: clinical testing. Allele origin: germline.
Comment: This sequence change replaces phenylalanine, which is neutral and non-polar, with tyrosine, which is neutral and polar, at codon 16 of the BMPR1A protein (p.Phe16Tyr). This variant is present in population databases (rs151235720, gnomAD 0.008%). This variant has not been reported in the literature in individuals affected with BMPR1A-related conditions. ClinVar contains an entry for this variant (Variation ID: 950370). Invitae Evidence Modeling of protein sequence and biophysical properties (such as structural, functional, and spatial information, amino acid conservation, physicochemical variation, residue mobility, and thermodynamic stability) indicates that this missense variant is not expected to disrupt BMPR1A protein function with a negative predictive value of 95%. In summary, the available evidence is currently insufficient to determine the role of this variant in disease. Therefore, it has been classified as a Variant of Uncertain Significance.

Ambry Genetics
Classification: Uncertain significance for Hereditary cancer-predisposing syndrome. Last evaluated: 2025-06-06. Review status: criteria provided, single submitter. Criteria: Ambry Variant Classification Scheme 2023. Collection method: clinical testing. Allele origin: germline.
Comment: The p.F16Y variant (also known as c.47T>A), located in coding exon 1 of the BMPR1A gene, results from a T to A substitution at nucleotide position 47. The phenylalanine at codon 16 is replaced by tyrosine, an amino acid with highly similar properties. This amino acid position is not well conserved in available vertebrate species. In addition, this alteration is predicted to be tolerated by in silico analysis. Since supporting evidence is limited at this time, the clinical significance of this alteration remains unclear.

All of Us Research Program, National Institutes of Health
Classification: Uncertain significance for Juvenile polyposis syndrome. Last evaluated: 2024-03-28. Review status: criteria provided, single submitter. Criteria: ACMG Guidelines, 2015. Collection method: clinical testing. Allele origin: germline. Inheritance: Autosomal dominant inheritance. Observed: 2 variant alleles, 2 heterozygotes.
Comment: This missense variant replaces phenylalanine with tyrosine at codon 16 of the BMPR1A protein. Computational prediction suggests that this variant may not impact protein structure and function (internally defined REVEL score threshold <= 0.5, PMID: 27666373). To our knowledge, functional studies have not been reported for this variant. This variant has not been reported in individuals affected with BMPR1A-related disorders in the literature. This variant has been identified in 2/277096 chromosomes in the general population by the Genome Aggregation Database (gnomAD). The available evidence is insufficient to determine the role of this variant in disease conclusively. Therefore, this variant is classified as a Variant of Uncertain Significance.

This study involves interpretation of variants in research participants for the purpose of population health screening. Participant phenotype was not available at the time of variant classification. Additional details can be found in publication PMID: 35346344, PMCID: PMC8962531

NM_004329.3(BMPR1A):c.47T>A (p.Phe16Tyr)

Gene: BMPR1A (bone morphogenetic protein receptor type 1A; plus strand). Cytogenetic location: 10q23.2.
Variant type: single nucleotide variant.
Coding change: c.47T>A on transcript NM_004329.3 (MANE Select); coding-DNA position 47, T replaced by A.
Protein change: p.Phe16Tyr; replaces phenylalanine 16 with tyrosine.
Molecular consequence: missense variant.
Genome position (GRCh38, 1-based): chr10:86,876,065, T>A. VCF-style: chr10-86876065-T-A. GRCh37 (hg19) VCF-style: chr10-88635822-T-A.
Other names: short protein forms F16Y.
Identifiers: ClinVar variation 950370 (VCV000950370.16), dbSNP rs151235720, ClinGen allele CA5585409.